The following is an entry in ClinVar:

ClinVar aggregate classification (germline): Conflicting classifications of pathogenicity. Review status: criteria provided, conflicting classifications (1 of 4 stars). 3 submissions from 3 submitters: Uncertain significance (1); Benign (2). Last evaluated 2026-02-01.

Conditions:
Cardiovascular phenotype. Identifiers: MedGen CN230736.
Hypertrophic cardiomyopathy. Also called: HYPERTROPHIC MYOCARDIOPATHY. Identifiers: Orphanet 217569, MedGen C0007194, MeSH D002312, MONDO:0005045, HP:0001639.

Allele frequency attached by ClinVar (database versions not stated): gnomAD 0.00003 and 0.00075; TOPMed 0.00012; gnomAD exomes 0.00121 and 0.00268; ExAC 0.00412; 1000 Genomes Project 30x 0.00625; 1000 Genomes Project 0.00659.
gnomAD v4.1: 1,882 of 1,610,118 alleles (0.12%); highest among the groups gnomAD compares: South Asian, 2%; 38 homozygotes.

Submissions (3):

Labcorp Genetics (formerly Invitae), Labcorp
Classification: Benign for Hypertrophic cardiomyopathy. Last evaluated: 2026-02-01. Review status: criteria provided, single submitter. Criteria: Invitae Variant Classification Sherloc (09022015). Collection method: clinical testing. Allele origin: germline.

Laboratory for Molecular Medicine, Mass General Brigham Personalized Medicine
Classification: Benign. Last evaluated: 2017-03-09. Review status: criteria provided, single submitter. Criteria: LMM Criteria. Collection method: clinical testing. Allele origin: germline. Observed: 1 variant allele.
Comment: This variant is not expect to have clinical significance because it has been ide ntified in 2% (654/29828) of South Asian chromosomes including 12 homozygotes b y the Genome Aggregate Database (gnomAD; dbsn p ID rs557671408).

Ambry Genetics
Classification: Uncertain significance for Cardiovascular phenotype. Last evaluated: 2013-01-18. Review status: criteria provided, single submitter. Criteria: Ambry Autosomal Dominant and X-Linked criteria (10/2015). Collection method: clinical testing. Allele origin: germline. Observed: 1 variant allele.
Comment: There is insufficient or conflicting evidence for classification of this alteration.

NM_003803.4(MYOM1):c.3038C>T (p.Ala1013Val)

Gene: MYOM1 (myomesin 1; minus strand). Cytogenetic location: 18p11.31.
Variant type: single nucleotide variant.
Coding change: c.3038C>T on transcript NM_003803.4 (MANE Select); coding-DNA position 3038, C replaced by T.
Protein change: p.Ala1013Val; replaces alanine 1013 with valine.
Molecular consequence: missense variant.
Genome position (GRCh38, 1-based): chr18:3,119,949, G>A on the plus strand (C>T on the coding strand, the complement: MYOM1 is on the minus strand). VCF-style: chr18-3119949-G-A. GRCh37 (hg19) VCF-style: chr18-3119947-G-A.
Other names: c.2750C>T, p.Ala917Val (NM_019856.2); short protein forms A1013V, A917V.
Identifiers: ClinVar variation 416053 (VCV000416053.18), dbSNP rs557671408, ClinGen allele CA8874444.